The following is an entry in ClinVar:

ClinVar aggregate classification (germline): Likely pathogenic (1 of 4 stars; one submission).

Conditions:
Hereditary cancer-predisposing syndrome. Also called: Tumor predisposition; Hereditary neoplastic syndrome; Neoplastic Syndromes, Hereditary; Hereditary Cancer Syndrome. Identifiers: Orphanet 140162, MedGen C0027672, MeSH D009386, MONDO:0015356.

Submissions (2):

Ambry Genetics
Classification: Likely pathogenic for Hereditary cancer-predisposing syndrome. Last evaluated: 2026-07-27. Review status: criteria provided, single submitter. Criteria: Ambry Variant Classification Scheme 2023. Collection method: clinical testing. Allele origin: germline.
Comment: The p.V35D variant (also known as c.104T>A), located in coding exon 2 of the BRCA1 gene, results from a T to A substitution at nucleotide position 104. The valine at codon 35 is replaced by aspartic acid, an amino acid with highly dissimilar properties. One functional study found that this nucleotide substitution is non-functional in a high throughput genome editing haploid cell survival assay (Findlay GM et al. Nature, 2018 Oct;562:217-222). This amino acid position is highly conserved in available vertebrate species. In addition, this alteration is predicted to be deleterious by in silico analysis. This variant is considered to be rare based on population cohorts in the Genome Aggregation Database (gnomAD). Based on the majority of available evidence to date, this variant is likely to be pathogenic.

Brotman Baty Institute, University of Washington
No classification provided (evidence only). Condition: Breast-ovarian cancer, familial 1. Review status: no classification provided. Collection method: in vitro. Allele origin: not applicable. Functional consequence: functionally_abnormal. Not counted in ClinVar's aggregate classification.
ClinVar note: "not provided" was previously submitted as the classification for the variant. However, the classification appeared to be based only on an observation of functional data so it was converted to no classification on 2025-07-30.

Literature cited by the submitters: PubMed 30209399 (cited by Ambry Genetics).

NM_007294.4(BRCA1):c.104T>A (p.Val35Asp)

Gene: BRCA1 (BRCA1 DNA repair associated; minus strand). Cytogenetic location: 17q21.31.
Variant type: single nucleotide variant.
Coding change: c.104T>A on transcript NM_007294.4 (MANE Select); coding-DNA position 104, T replaced by A.
Protein change: p.Val35Asp; replaces valine 35 with aspartic acid.
Molecular consequence: missense variant. On other transcripts: non-coding transcript variant (1), intron variant (1).
Genome position (GRCh38, 1-based): chr17:43,115,756, A>T on the plus strand (T>A on the coding strand, the complement: BRCA1 is on the minus strand). VCF-style: chr17-43115756-A-T. GRCh37 (hg19) VCF-style: chr17-41267773-A-T.
Other names: c.104T>A, p.Val35Asp (NM_001408412.1, NM_001408413.1, NM_001408414.1 and 192 more transcripts); c.-38T>A (NM_001408452.1, NM_001408453.1, NM_001408458.1 and 47 more transcripts); c.-154T>A (NM_001408455.1, NM_001408456.1, NM_001408468.1 and 13 more transcripts); c.-158T>A (NM_001408465.1, NM_001407695.1); c.-85T>A (NM_001408478.1, NM_001408479.1, NM_001408480.1 and 52 more transcripts); c.-201T>A (NM_001408492.1, NM_001407889.1, NM_001407900.1); c.-200T>A (NM_001408510.1, NM_001408512.1, NM_001407960.1 and 1 more transcripts); c.-8+8261T>A (NM_007297.4); and 2 more; short protein forms V35D.
Identifiers: ClinVar variation 867803 (VCV000867803.4), dbSNP rs1235706456, ClinGen allele CA10601946.